The following is an entry in ClinVar:

NM_170606.3(KMT2C):c.13243G>A (p.Gly4415Arg)

Gene: KMT2C (lysine methyltransferase 2C; minus strand). Cytogenetic location: 7q36.1.
Variant type: single nucleotide variant.
Coding change: c.13243G>A on transcript NM_170606.3 (MANE Select); coding-DNA position 13243, G replaced by A.
Protein change: p.Gly4415Arg; replaces glycine 4415 with arginine.
Molecular consequence: missense variant.
Genome position (GRCh38, 1-based): chr7:152,148,684, C>T on the plus strand (G>A on the coding strand, the complement: KMT2C is on the minus strand). VCF-style: chr7-152148684-C-T. GRCh37 (hg19) VCF-style: chr7-151845769-C-T.
Other names: short protein forms G4415R.
Identifiers: ClinVar variation 3865105 (VCV003865105.1).

ClinVar aggregate classification (germline): Likely pathogenic (1 of 4 stars; one submission).

Conditions:
Inborn genetic diseases. Identifiers: MedGen C0950123, MeSH D030342.

Submission:

Ambry Genetics
Classification: Likely pathogenic for Inborn genetic diseases. Last evaluated: 2025-02-03. Review status: criteria provided, single submitter. Criteria: Ambry Variant Classification Scheme 2023. Collection method: clinical testing. Allele origin: germline.
Comment: The c.13243G>A (p.G4415R) alteration is located in exon 52 (coding exon 52) of the KMT2C gene. This alteration results from a G to A substitution at nucleotide position 13243, causing the glycine (G) at amino acid position 4415 to be replaced by an arginine (R). This variant was not reported in population-based cohorts in the Genome Aggregation Database (gnomAD). This amino acid position is highly conserved in available vertebrate species. This alteration is predicted to be deleterious by in silico analysis. Based on the available evidence, this alteration is classified as likely pathogenic.